The following is an entry in ClinVar:

ClinVar aggregate classification (germline): Likely pathogenic (1 of 4 stars; one submission).

Conditions:
Charcot-Marie-Tooth disease dominant intermediate E. Also called: CHARCOT-MARIE-TOOTH NEUROPATHY WITH FOCAL SEGMENTAL GLOMERULONEPHRITIS. Identifiers: Orphanet 93114, MedGen C4302667, MONDO:0013758, OMIM 614455.

Submission:

Institute of Human Genetics, University of Goettingen
Classification: Likely pathogenic for Charcot-Marie-Tooth disease dominant intermediate E. Last evaluated: 2023-06-28. Review status: criteria provided, single submitter. Criteria: ACMG Guidelines, 2015. Collection method: clinical testing. Allele origin: unknown. Affected: yes. Observed: 1 heterozygote.
Comment: The INF2-variant c.286del is classified by our institute as a likely pathogenic variant, as it is not present in any databases (gnomAD / ExAC) and leads to a premature stop codon due to a frameshift mutation. thus the molecular diagnosis fitted the clinical symptoms.

NM_022489.4(INF2):c.286del (p.Leu96fs)

Gene: INF2 (inverted formin 2; plus strand). Cytogenetic location: 14q32.33.
Variant type: Deletion.
Coding change: c.286del on transcript NM_022489.4 (MANE Select); coding-DNA position 286, one base deleted (C; older notation c.286delC).
Protein change: p.Leu96fs; shifts the reading frame from leucine 96.
Molecular consequence: frameshift variant.
Genome position (GRCh38, 1-based): chr14:104,701,651, C deleted; the last of 3 consecutive C bases (chr14:104,701,649-104,701,651); deleting any one gives the same sequence. VCF-style (leftmost placement, unchanged base first): chr14-104701648-GC-G. GRCh37 (hg19) VCF-style: chr14-105167985-GC-G.
Other names: c.286del, p.Leu96fs (NM_001031714.4, NM_032714.3); short protein forms L96fs.
Identifiers: ClinVar variation 2574145 (VCV002574145.2), dbSNP rs2504232979, ClinGen allele CA2580613777.